The following is an entry in ClinVar:

ClinVar aggregate classification (germline): Uncertain significance. Review status: criteria provided, multiple submitters, no conflicts (2 of 4 stars). 2 submissions from 2 submitters: Uncertain significance (2). Last evaluated 2025-04-17.

Conditions:
Inborn genetic diseases. Identifiers: MedGen C0950123, MeSH D030342.

Allele frequency attached by ClinVar (database versions not stated): gnomAD 0.00001; TOPMed 0.00001; gnomAD exomes 0.00001.
gnomAD v4.1: 8 of 1,609,622 alleles (0.0005%); highest among the groups gnomAD compares: Non-Finnish European, 0.00068%; no homozygotes.

Submissions (2):

Labcorp Genetics (formerly Invitae), Labcorp
Classification: Uncertain significance. Last evaluated: 2025-04-17. Review status: criteria provided, single submitter. Criteria: Invitae Variant Classification Sherloc (09022015). Collection method: clinical testing. Allele origin: germline.
Comment: This sequence change replaces glutamic acid, which is acidic and polar, with glycine, which is neutral and non-polar, at codon 208 of the ARMC9 protein (p.Glu208Gly). This variant is not present in population databases (gnomAD no frequency). This variant has not been reported in the literature in individuals affected with ARMC9-related conditions. ClinVar contains an entry for this variant (Variation ID: 2054779). Experimental studies and prediction algorithms are not available or were not evaluated, and the functional significance of this variant is currently unknown. In summary, the available evidence is currently insufficient to determine the role of this variant in disease. Therefore, it has been classified as a Variant of Uncertain Significance.

Ambry Genetics
Classification: Uncertain significance for Inborn genetic diseases. Last evaluated: 2022-06-24. Review status: criteria provided, single submitter. Criteria: Ambry Variant Classification Scheme 2023. Collection method: clinical testing. Allele origin: germline.

NM_001352754.2(ARMC9):c.623A>G (p.Glu208Gly)

Gene: ARMC9 (armadillo repeat containing 9; plus strand). Cytogenetic location: 2q37.1.
Variant type: single nucleotide variant.
Coding change: c.623A>G on transcript NM_001352754.2 (MANE Select); coding-DNA position 623, A replaced by G.
Protein change: p.Glu208Gly; replaces glutamic acid 208 with glycine.
Molecular consequence: missense variant. On other transcripts: non-coding transcript variant (1).
Genome position (GRCh38, 1-based): chr2:231,235,224, A>G. VCF-style: chr2-231235224-A-G. GRCh37 (hg19) VCF-style: chr2-232099937-A-G.
Other names: c.623A>G, p.Glu208Gly (NM_001271466.4, NM_001291656.2, NM_001352755.2 and 5 more transcripts); short protein forms E208G.
Identifiers: ClinVar variation 2054779 (VCV002054779.5), dbSNP rs543474990, ClinGen allele CA66832905.